The following is an entry in ClinVar:

NM_003816.3(ADAM9):c.254+1G>A

Gene: ADAM9 (ADAM metallopeptidase domain 9; plus strand). Cytogenetic location: 8p11.22.
Variant type: single nucleotide variant.
Coding change: c.254+1G>A on transcript NM_003816.3 (MANE Select); the canonical splice donor site of the intron after coding-DNA position 254, G replaced by A.
Molecular consequence: splice donor variant.
Genome position (GRCh38, 1-based): chr8:39,011,717, G>A. VCF-style: chr8-39011717-G-A. GRCh37 (hg19) VCF-style: chr8-38869236-G-A.
Identifiers: ClinVar variation 2013020 (VCV002013020.4), dbSNP rs2491964775, ClinGen allele CA370752132.

ClinVar aggregate classification (germline): Likely pathogenic (1 of 4 stars; one submission).

Submission:

Labcorp Genetics (formerly Invitae), Labcorp
Classification: Likely pathogenic. Last evaluated: 2022-07-01. Review status: criteria provided, single submitter. Criteria: Invitae Variant Classification Sherloc (09022015). Collection method: clinical testing. Allele origin: germline.
Comment: Algorithms developed to predict the effect of sequence changes on RNA splicing suggest that this variant may disrupt the consensus splice site. This variant has not been reported in the literature in individuals affected with ADAM9-related conditions. This variant is not present in population databases (gnomAD no frequency). This sequence change affects a donor splice site in intron 3 of the ADAM9 gene. It is expected to disrupt RNA splicing. Variants that disrupt the donor or acceptor splice site typically lead to a loss of protein function (PMID: 16199547), and loss-of-function variants in ADAM9 are known to be pathogenic (PMID: 19409519). In summary, the currently available evidence indicates that the variant is pathogenic, but additional data are needed to prove that conclusively. Therefore, this variant has been classified as Likely Pathogenic.

Literature cited by the submitters: PubMed 16199547; PubMed 19409519.